The following is an entry in ClinVar:

ClinVar aggregate classification (germline): Uncertain significance (1 of 4 stars; one submission).

Submission:

GeneDx
Classification: Uncertain significance. Last evaluated: 2024-11-15. Review status: criteria provided, single submitter. Criteria: GeneDx Variant Classification Process June 2021. Collection method: clinical testing. Allele origin: germline. Affected: yes.
Comment: Not observed at significant frequency in large population cohorts (gnomAD); In silico analysis supports that this missense variant has a deleterious effect on protein structure/function; Has not been previously published as pathogenic or benign to our knowledge

NM_001037333.3(CYFIP2):c.1181T>G (p.Leu394Arg)

Gene: CYFIP2 (cytoplasmic FMR1 interacting protein 2; plus strand). Cytogenetic location: 5q33.3.
Variant type: single nucleotide variant.
Coding change: c.1181T>G on transcript NM_001037333.3 (MANE Select); coding-DNA position 1181, T replaced by G.
Protein change: p.Leu394Arg; replaces leucine 394 with arginine.
Molecular consequence: missense variant.
Genome position (GRCh38, 1-based): chr5:157,314,414, T>G. VCF-style: chr5-157314414-T-G. GRCh37 (hg19) VCF-style: chr5-156741422-T-G.
Other names: c.1103T>G, p.Leu368Arg (NM_001291721.2); c.1181T>G, p.Leu394Arg (NM_001291722.2, NM_014376.4); short protein forms L368R, L394R.
Identifiers: ClinVar variation 2572949 (VCV002572949.2), dbSNP rs2532368831, ClinGen allele CA361968346.